The following is an entry in ClinVar:

NM_020717.5(SHROOM4):c.96T>C (p.Cys32=)

Gene: SHROOM4 (shroom family member 4; minus strand). Cytogenetic location: Xp11.22.
Variant type: single nucleotide variant.
Coding change: c.96T>C on transcript NM_020717.5 (MANE Select); coding-DNA position 96, T replaced by C.
Protein change: p.Cys32=; no amino-acid change (cysteine 32 retained).
Molecular consequence: synonymous variant. On other transcripts: non-coding transcript variant (2).
Genome position (GRCh38, 1-based): chrX:50,813,923, A>G on the plus strand (T>C on the coding strand, the complement: SHROOM4 is on the minus strand). VCF-style: chrX-50813923-A-G. GRCh37 (hg19) VCF-style: chrX-50556923-A-G.
Identifiers: ClinVar variation 130314 (VCV000130314.8), dbSNP rs112588837, ClinGen allele CA155206.

ClinVar aggregate classification (germline): Likely benign. Review status: criteria provided, multiple submitters, no conflicts (2 of 4 stars). 3 submissions from 3 submitters: Likely benign (2). 1 of the submissions does not count toward it. Last evaluated 2024-11-26.

Allele frequency attached by ClinVar (database versions not stated): gnomAD exomes 0.00055 and 0.00154; ExAC 0.00225; gnomAD 0.00513 and 0.00530; 1000 Genomes Project 0.00583; TOPMed 0.00586; 1000 Genomes Project 30x 0.00604; ESP Exome Variant Server 0.00710.
gnomAD v4.1: 1,214 of 1,199,102 alleles (0.1%); highest among the groups gnomAD compares: African/African-American, 1.8%; 9 homozygotes.

Submissions (3):

Blueprint Genetics
Classification: Likely benign. Last evaluated: 2024-11-26. Review status: criteria provided, single submitter. Criteria: ACMG Guidelines, 2015. Collection method: clinical testing. Allele origin: germline.

Breakthrough Genomics
Classification: Likely benign. Review status: criteria provided, single submitter. Criteria: ACMG Guidelines, 2015. Collection method: not provided. Allele origin: germline. Inheritance: Unknown mechanism. Affected: yes.

Genetic Services Laboratory, University of Chicago
Classification: Likely benign for AllHighlyPenetrant. Review status: no assertion criteria provided. Collection method: clinical testing. Allele origin: germline. Inheritance: X-linked inheritance. Not counted in ClinVar's aggregate classification.
Comment: Likely benign based on allele frequency in 1000 Genomes Project or ESP global frequency and its presence in a patient with a rare or unrelated disease phenotype. NOT Sanger confirmed.